The following is an entry in ClinVar:

ClinVar aggregate classification (germline): Uncertain significance. Review status: criteria provided, multiple submitters, no conflicts (2 of 4 stars). 2 submissions from 2 submitters: Uncertain significance (2). Last evaluated 2023-06-28.

Conditions:
Familial hypercholesterolemia. Also called: Familial hypercholesterolemias; Familial hypercholesterolaemia. Identifiers: MedGen C0020445, MONDO:0005439.
Hypercholesterolemia, autosomal dominant, 3 (FHCL3). Also called: Familial Hypercholesterolemia, Autosomal Dominant, 3; PCSK9-Related Familial Hypercholesterolemia, Autosomal Dominant; Familial hypercholesterolemia 3. Identifiers: MedGen C1863551, MONDO:0011369, OMIM 603776.

Allele frequency attached by ClinVar (database versions not stated): gnomAD exomes below 0.00001; TOPMed below 0.00001; ExAC 0.00001; ESP Exome Variant Server 0.00008.
gnomAD v4.1: 2 of 1,614,098 alleles (0.00012%); highest among the groups gnomAD compares: African/African-American, 0.0013%; no homozygotes.

Submissions (2):

All of Us Research Program, National Institutes of Health
Classification: Uncertain significance for Hypercholesterolemia, autosomal dominant, 3. Last evaluated: 2023-06-28. Review status: criteria provided, single submitter. Criteria: ACMG Guidelines, 2015. Collection method: clinical testing. Allele origin: germline. Inheritance: Autosomal dominant inheritance. Observed: 1 variant allele, 1 heterozygote.
Comment: This study involves interpretation of variants in research participants for the purpose of population health screening. Participant phenotype was not available at the time of variant classification. Additional details can be found in publication PMID: 35346344, PMCID: PMC8962531

Color Diagnostics, LLC DBA Color Health
Classification: Uncertain significance for Familial hypercholesterolemia. Last evaluated: 2022-10-11. Review status: criteria provided, single submitter. Criteria: ACMG Guidelines, 2015. Collection method: clinical testing. Allele origin: germline.
Comment: This missense variant replaces asparagine with serine at codon 157 of the PCSK9 protein. Computational prediction suggests that this variant may not impact protein structure and function (internally defined REVEL score threshold <= 0.5, PMID: 27666373). To our knowledge, functional studies have not been reported for this variant. This variant has not been reported in individuals affected with familial hypercholesterolemia in the literature but has been reported in an individual with extremely low LDL-C (PMID: 24507775). This variant has been identified in 2/251438 chromosomes in the general population by the Genome Aggregation Database (gnomAD). The available evidence is insufficient to determine the role of this variant in disease conclusively. Therefore, this variant is classified as a Variant of Uncertain Significance.

Literature cited by the submitters: PubMed 24507775 (cited by Color Diagnostics, LLC DBA Color Health).

NM_174936.4(PCSK9):c.470A>G (p.Asn157Ser)

Gene: PCSK9 (proprotein convertase subtilisin/kexin type 9; plus strand). Cytogenetic location: 1p32.3.
Variant type: single nucleotide variant.
Coding change: c.470A>G on transcript NM_174936.4 (MANE Select); coding-DNA position 470, A replaced by G.
Protein change: p.Asn157Ser; replaces asparagine 157 with serine.
Molecular consequence: missense variant. On other transcripts: non-coding transcript variant (6).
Genome position (GRCh38, 1-based): chr1:55,046,593, A>G. VCF-style: chr1-55046593-A-G. GRCh37 (hg19) VCF-style: chr1-55512266-A-G.
Other names: c.593A>G, p.Asn198Ser (NM_001407240.1); c.470A>G, p.Asn157Ser (NM_001407241.1, NM_001407242.1, NM_001407244.1 and 1 more transcripts); c.413A>G, p.Asn138Ser (NM_001407243.1); c.278A>G, p.Asn93Ser (NM_001407245.1); c.95A>G, p.Asn32Ser (NM_001407246.1); short protein forms N157S, N138S, N32S, N93S, N198S.
Identifiers: ClinVar variation 2774039 (VCV002774039.3), dbSNP rs372600893, ClinGen allele CA042394.
Genomic context (GRCh38, chr1:55,046,593, plus strand): 5'-TGCCCCATGTCGACTACATCGAGGAGGACTCCTCTGTCTTTGCCCAGAGCATCCCGTGGA[A>G]CCTGGAGCGGATTACCCCTCCACGGTACCGGGCGGATGAATACCAGCCCCCCGGTAAGAC-3'
Protein context (NP_777596.2, residues 147-167): SSVFAQSIPW[Asn157Ser]LERITPPRYR